The following is an entry in ClinVar:

NM_020365.5(EIF2B3):c.123C>G (p.Asn41Lys)

Gene: EIF2B3 (eukaryotic translation initiation factor 2B subunit gamma; minus strand). Cytogenetic location: 1p34.1.
Variant type: single nucleotide variant.
Coding change: c.123C>G on transcript NM_020365.5 (MANE Select); coding-DNA position 123, C replaced by G.
Protein change: p.Asn41Lys; replaces asparagine 41 with lysine.
Molecular consequence: missense variant.
Genome position (GRCh38, 1-based): chr1:44,981,046, G>C on the plus strand (C>G on the coding strand, the complement: EIF2B3 is on the minus strand). VCF-style: chr1-44981046-G-C. GRCh37 (hg19) VCF-style: chr1-45446718-G-C.
Other names: c.123C>G, p.Asn41Lys (NM_001166588.3, NM_001261418.2); short protein forms N41K.
Identifiers: ClinVar variation 1952184 (VCV001952184.3), dbSNP rs2522788229, ClinGen allele CA340101748.

ClinVar aggregate classification (germline): Uncertain significance (1 of 4 stars; one submission).

Allele frequency attached by ClinVar (database versions not stated): gnomAD exomes below 0.00001.
gnomAD v4.1: 2 of 1,613,426 alleles (0.00012%); highest among the groups gnomAD compares: Non-Finnish European, 0.00017%; no homozygotes.

Submission:

Labcorp Genetics (formerly Invitae), Labcorp
Classification: Uncertain significance. Last evaluated: 2025-09-08. Review status: criteria provided, single submitter. Criteria: Invitae Variant Classification Sherloc (09022015). Collection method: clinical testing. Allele origin: germline.
Comment: This sequence change replaces asparagine, which is neutral and polar, with lysine, which is basic and polar, at codon 41 of the EIF2B3 protein (p.Asn41Lys). This variant is not present in population databases (gnomAD no frequency). This variant has not been reported in the literature in individuals affected with EIF2B3-related conditions. ClinVar contains an entry for this variant (Variation ID: 1952184). Invitae Evidence Modeling of protein sequence and biophysical properties (such as structural, functional, and spatial information, amino acid conservation, physicochemical variation, residue mobility, and thermodynamic stability) indicates that this missense variant is not expected to disrupt EIF2B3 protein function with a negative predictive value of 80%. In summary, the available evidence is currently insufficient to determine the role of this variant in disease. Therefore, it has been classified as a Variant of Uncertain Significance.